The following is an entry in ClinVar:

ClinVar aggregate classification (germline): Uncertain significance (1 of 4 stars; one submission).

Submission:

Labcorp Genetics (formerly Invitae), Labcorp
Classification: Uncertain significance. Last evaluated: 2022-07-11. Review status: criteria provided, single submitter. Criteria: Invitae Variant Classification Sherloc (09022015). Collection method: clinical testing. Allele origin: germline.
Comment: Algorithms developed to predict the effect of missense changes on protein structure and function (SIFT, PolyPhen-2, Align-GVGD) all suggest that this variant is likely to be tolerated. In summary, the available evidence is currently insufficient to determine the role of this variant in disease. Therefore, it has been classified as a Variant of Uncertain Significance. This variant has not been reported in the literature in individuals affected with PTPN23-related conditions. This variant is not present in population databases (gnomAD no frequency). This sequence change replaces histidine, which is basic and polar, with arginine, which is basic and polar, at codon 1385 of the PTPN23 protein (p.His1385Arg).

NM_015466.4(PTPN23):c.4154A>G (p.His1385Arg)

Gene: PTPN23 (protein tyrosine phosphatase non-receptor type 23; plus strand). Cytogenetic location: 3p21.31.
Variant type: single nucleotide variant.
Coding change: c.4154A>G on transcript NM_015466.4 (MANE Select); coding-DNA position 4154, A replaced by G.
Protein change: p.His1385Arg; replaces histidine 1385 with arginine.
Molecular consequence: missense variant.
Genome position (GRCh38, 1-based): chr3:47,412,174, A>G. VCF-style: chr3-47412174-A-G. GRCh37 (hg19) VCF-style: chr3-47453664-A-G.
Other names: c.3776A>G, p.His1259Arg (NM_001304482.2); short protein forms H1259R, H1385R.
Identifiers: ClinVar variation 2089033 (VCV002089033.4), dbSNP rs2546257837, ClinGen allele CA352565589.